The following is an entry in ClinVar:

NM_181486.4(TBX5):c.422C>A (p.Ser141Tyr)

Gene: TBX5 (T-box transcription factor 5; minus strand). Cytogenetic location: 12q24.21.
Variant type: single nucleotide variant.
Coding change: c.422C>A on transcript NM_181486.4 (MANE Select); coding-DNA position 422, C replaced by A.
Protein change: p.Ser141Tyr; replaces serine 141 with tyrosine.
Molecular consequence: missense variant.
Genome position (GRCh38, 1-based): chr12:114,398,661, G>T on the plus strand (C>A on the coding strand, the complement: TBX5 is on the minus strand). VCF-style: chr12-114398661-G-T. GRCh37 (hg19) VCF-style: chr12-114836466-G-T.
Other names: c.422C>A, p.Ser141Tyr (NM_000192.3); c.272C>A, p.Ser91Tyr (NM_080717.4); short protein forms S91Y, S141Y.
Identifiers: ClinVar variation 1522964 (VCV001522964.8), dbSNP rs1871581681, ClinGen allele CA386862130.
Genomic context (GRCh38, chr12:114,398,661, plus strand): 5'-GTGAGCTTGAGTTTCTGGAAGGAGACGAGCTGCCTCATCCAATGCGCCCCGGTGGCGGGG[G>T]AGTCTGGGTGCACGTACAGGCGGCCAGGCATGGCGGGCTCAGCTTTGCCCGTCACAGACC-3'
Protein context (NP_852259.1, residues 131-151): MPGRLYVHPD[Ser141Tyr]PATGAHWMRQ

ClinVar aggregate classification (germline): Uncertain significance (1 of 4 stars; one submission).

Conditions:
Aortic valve disease 2 (AOVD2). Identifiers: MedGen C3542024, MONDO:0013902, OMIM 614823.

gnomAD v4.1: 4 of 1,613,206 alleles (0.00025%); highest among the groups gnomAD compares: East Asian, 0.0022%; no homozygotes.

Submission:

Labcorp Genetics (formerly Invitae), Labcorp
Classification: Uncertain significance for Aortic valve disease 2. Last evaluated: 2021-04-29. Review status: criteria provided, single submitter. Criteria: Invitae Variant Classification Sherloc (09022015). Collection method: clinical testing. Allele origin: germline.
Comment: This sequence change replaces serine with tyrosine at codon 141 of the TBX5 protein (p.Ser141Tyr). The serine residue is highly conserved and there is a large physicochemical difference between serine and tyrosine. This variant is not present in population databases (ExAC no frequency). This variant has not been reported in the literature in individuals with TBX5-related conditions. Advanced modeling of protein sequence and biophysical properties (such as structural, functional, and spatial information, amino acid conservation, physicochemical variation, residue mobility, and thermodynamic stability) performed at Invitae indicates that this missense variant is expected to disrupt TBX5 protein function. In summary, the available evidence is currently insufficient to determine the role of this variant in disease. Therefore, it has been classified as a Variant of Uncertain Significance.